The following is an entry in ClinVar:

NM_001205293.3(CACNA1E):c.2142+3A>G

Gene: CACNA1E (calcium voltage-gated channel subunit alpha1 E; plus strand). Cytogenetic location: 1q25.3.
Variant type: single nucleotide variant.
Coding change: c.2142+3A>G on transcript NM_001205293.3 (MANE Select); 3 bases into the intron after coding-DNA position 2142, A replaced by G.
Molecular consequence: intron variant.
Genome position (GRCh38, 1-based): chr1:181,724,540, A>G. VCF-style: chr1-181724540-A-G. GRCh37 (hg19) VCF-style: chr1-181693676-A-G.
Other names: c.2142+3A>G (NM_000721.4, NM_001205294.2).
Identifiers: ClinVar variation 387715 (VCV000387715.1), dbSNP rs1057522883, ClinGen allele CA16603509.
Genomic context (GRCh38, chr1:181,724,540, plus strand): 5'-GAATGTGTTCTTGGCTATCGCTGTGGATAATCTCGCCAACGCCCAGGAACTGACCAAGGT[A>G]AGCATTGTTTTCTGGGGATCTGATGTTTCTCTAGTGCCATTGGGTACCCTTTGGCCTTTG-3'

ClinVar aggregate classification (germline): Likely benign (1 of 4 stars; one submission).

Submission:

GeneDx
Classification: Likely benign. Last evaluated: 2016-07-12. Review status: criteria provided, single submitter. Criteria: GeneDx Variant Classification (06012015). Collection method: clinical testing. Allele origin: germline. Affected: yes.
Comment: This variant is considered likely benign or benign based on one or more of the following criteria: it is a conservative change, it occurs at a poorly conserved position in the protein, it is predicted to be benign by multiple in silico algorithms, and/or has population frequency not consistent with disease.